The following is an entry in ClinVar:

NM_003483.6(HMGA2):c.52_56del (p.Gln18fs)

Gene: HMGA2 (high mobility group AT-hook 2; plus strand). Cytogenetic location: 12q14.3.
Variant type: Deletion.
Coding change: c.52_56del on transcript NM_003483.6 (MANE Select); coding-DNA positions 52 to 56, 5 bases deleted (CAACC; older notation c.52_56delCAACC).
Protein change: p.Gln18fs; shifts the reading frame from glutamine 18.
Molecular consequence: frameshift variant.
Genome position (GRCh38, 1-based): chr12:65,825,322-65,825,326, CAACC deleted. VCF-style (leftmost placement, unchanged base first): chr12-65825321-ACAACC-A. GRCh37 (hg19) VCF-style: chr12-66219101-ACAACC-A.
Other names: c.52_56del, p.Gln18fs (NM_001300918.1, NM_001300919.1, NM_001330190.1 and 1 more transcripts); short protein forms Q18fs.
Identifiers: ClinVar variation 4294469 (VCV004294469.1).

ClinVar aggregate classification (germline): Likely pathogenic (1 of 4 stars; one submission).

Conditions:
Silver-Russell syndrome 5 (SRS5). Identifiers: MedGen C5394456, MONDO:0020795, OMIM 618908.

Submission:

Molecular Genetics Department, Kulakov National Medical Research Center for Obstetrics, Gynecology and Perinatology
Classification: Likely pathogenic for Silver-Russell syndrome 5. Review status: criteria provided, single submitter. Criteria: ACMG Guidelines, 2015. Collection method: clinical testing. Allele origin: de novo. Affected: yes. Observed: 1 variant allele.
Comment: A previously undescribed heterozygous nucleotide variant creates a frameshift p.Gln18CysfsTer23 in the HMGA2 gene. Heterozygous variants, including loss-of-function variants, are reported in patients with Silver-Russell syndrome 5, 618908. The variant is not present in population database (gnomAD no frequency). Sanger sequencing revealed that the variant arose de novo (parentage confirmed). In summary, the currently available evidence indicates that the variant is pathogenic, but additional data are needed to prove that conclusively. Therefore, this variant has been classified as likely pathogenic.